The following is an entry in ClinVar:

GRCh38/hg38 20p12.3(chr20:7582024-8017509)x3

Genes: HAO1 (hydroxyacid oxidase 1; minus strand), TMX4 (thioredoxin related transmembrane protein 4; minus strand), LOC112694729 (Sharpr-MPRA regulatory region 10301; plus strand), LOC126862966 (MED14-independent group 3 enhancer GRCh37_chr20:7837050-7838249; plus strand), LOC130065405 (ATAC-STARR-seq lymphoblastoid active region 17535; plus strand). Cytogenetic location: 20p12.3.
Variant type: copy number gain.
Change: copy number 3 (three copies instead of two) of chr20:7,582,024-8,017,509 (435.5 kb, GRCh38 coordinates, 1-based), cytogenetic band 20p12.3.
Identifiers: ClinVar variation 4755364 (VCV004755364.1).

ClinVar aggregate classification (germline): Uncertain significance (1 of 4 stars; one submission).

Submission:

Clinical Genomics Laboratory, Laboratory for Precision Diagnostics, University of Washington
Classification: Uncertain significance. Last evaluated: 2021-10-26. Review status: criteria provided, single submitter. Criteria: ACMG/ClinGen CNV Guidelines, 2019. Collection method: clinical testing. Allele origin: unknown. Affected: yes. Observed: 1 variant allele.
Comment: The classification of this duplication is uncertain, per ACMGG interpretation standards. It affects protein-coding elements (Section 1, 0 points) but doesn't overlap any known dosage sensitive genes or regions (Section 2, 0 points). Two protein-coding genes are affected by the duplication (Section 3, 0 points). PMID: 23239491 describe a baby born with hydrops and an ultimate diagnosis of Wolf-Parkinson-White (WPW). The duplication was inherited from her father, who had an abnormal EKG but not WPW, and was also found in her paternal uncle, who also had WPW. Neither of these family members shared the distinctive facial features (Section 4F, 0.15 points). No similar duplications appear in the Database of Genomic Variants (DGV) or gnomAD (Section 4O, 0 points). Parental testing has not been done (Section 5, 0 points).

Literature cited by the submitters: PubMed 23239491.